The following is an entry in ClinVar:

ClinVar aggregate classification (germline): Uncertain significance (1 of 4 stars; one submission).

Conditions:
Early-infantile DEE. Also called: Early infantile epileptic encephalopathy with suppression bursts; Early infantile epileptic encephalopathy; Ohtahara syndrome. Identifiers: Orphanet 1934, MedGen C0393706, MONDO:0800491.

Allele frequency attached by ClinVar (database versions not stated): ExAC 0.00001; gnomAD 0.00001; TOPMed 0.00001.

Submission:

Labcorp Genetics (formerly Invitae), Labcorp
Classification: Uncertain significance for Early-infantile DEE. Last evaluated: 2022-07-30. Review status: criteria provided, single submitter. Criteria: Invitae Variant Classification Sherloc (09022015). Collection method: clinical testing. Allele origin: germline.
Comment: This sequence change replaces lysine, which is basic and polar, with glutamic acid, which is acidic and polar, at codon 784 of the ARHGEF15 protein (p.Lys784Glu). This variant is present in population databases (rs775598168, gnomAD 0.007%). This variant has not been reported in the literature in individuals affected with ARHGEF15-related conditions. Algorithms developed to predict the effect of missense changes on protein structure and function are either unavailable or do not agree on the potential impact of this missense change (SIFT: "Deleterious"; PolyPhen-2: "Benign"; Align-GVGD: "Class C0"). In summary, the available evidence is currently insufficient to determine the role of this variant in disease. Therefore, it has been classified as a Variant of Uncertain Significance.

NM_173728.4(ARHGEF15):c.2350A>G (p.Lys784Glu)

Gene: ARHGEF15 (Rho guanine nucleotide exchange factor 15; plus strand). Cytogenetic location: 17p13.1.
Variant type: single nucleotide variant.
Coding change: c.2350A>G on transcript NM_173728.4 (MANE Select); coding-DNA position 2350, A replaced by G.
Protein change: p.Lys784Glu; replaces lysine 784 with glutamic acid.
Molecular consequence: missense variant.
Genome position (GRCh38, 1-based): chr17:8,319,579, A>G. VCF-style: chr17-8319579-A-G. GRCh37 (hg19) VCF-style: chr17-8222897-A-G.
Other names: c.2350A>G, p.Lys784Glu (NM_025014.2); short protein forms K784E.
Identifiers: ClinVar variation 1987422 (VCV001987422.4), dbSNP rs775598168, ClinGen allele CA8375511.